The following is an entry in ClinVar:

ClinVar aggregate classification (germline): Pathogenic/Likely pathogenic. Review status: criteria provided, multiple submitters, no conflicts (2 of 4 stars). 2 submissions from 2 submitters: Pathogenic (1); Likely pathogenic (1). Last evaluated 2017-04-20.

Conditions:
Familial thoracic aortic aneurysm and aortic dissection (TAAD). Also called: Thoracic aortic aneurysms and dissections. Identifiers: Orphanet 91387, MedGen C4707243, MONDO:0019625.

Submissions (2):

GeneDx
Classification: Pathogenic. Last evaluated: 2017-04-20. Review status: criteria provided, single submitter. Criteria: GeneDx Variant Classification (06012015). Collection method: clinical testing. Allele origin: germline. Affected: yes.
Comment: The C2302S variant in the FBN1 gene has not been reported previously as a pathogenic variant nor as a benign variant, to our knowledge. The C2302S variant is not observed in large population cohorts (Lek et al., 2016; 1000 Genomes Consortium et al., 2015; Exome Variant Server). The C2302S variant is a non-conservative amino acid substitution, which is likely to impact secondary protein structure as these residues differ in polarity, charge, size and/or other properties. This substitution occurs at a position that is conserved across species. In silico analysis predicts this variant is probably damaging to the protein structure/function. A missense variant in the same residue (C2302Y) has been reported in an individual with features of either Marfan syndrome or a Marfan-related disorder (Comeglio et al., 2007), supporting the functional importance of this region of the protein. We interpret C2302S as a pathogenic variant.

Ambry Genetics
Classification: Likely pathogenic for Familial thoracic aortic aneurysm and aortic dissection. Last evaluated: 2017-04-05. Review status: criteria provided, single submitter. Criteria: Ambry Variant Classification Scheme 2023. Collection method: clinical testing. Allele origin: germline.
Comment: The p.C2302S variant (also known as c.6904T>A), located in coding exon 56 of the FBN1 gene, results from a T to A substitution at nucleotide position 6904. The cysteine at codon 2302 is replaced by serine, an amino acid with dissimilar properties. This amino acid position is located in calcium-binding EGF-like domain 40. This amino acid position is highly conserved in available vertebrate species. In addition, this alteration is predicted to be deleterious by in silico analysis. Moreover, the majority of FBN1 mutations identified to date have involved the substitution or generation of cysteine residues within cbEGF domains (Vollbrandt T et al. J Biol Chem. 2004;279(31):32924-32931). Based on the majority of available evidence to date, this variant is likely to be pathogenic.

Literature cited by the submitters: PubMed 17657824 (cited by Ambry Genetics).

NM_000138.5(FBN1):c.6904T>A (p.Cys2302Ser)

Gene: FBN1 (fibrillin 1; minus strand). Cytogenetic location: 15q21.1.
Variant type: single nucleotide variant.
Coding change: c.6904T>A on transcript NM_000138.5 (MANE Select); coding-DNA position 6904, T replaced by A.
Protein change: p.Cys2302Ser; replaces cysteine 2302 with serine.
Molecular consequence: missense variant.
Genome position (GRCh38, 1-based): chr15:48,428,439, A>T on the plus strand (T>A on the coding strand, the complement: FBN1 is on the minus strand). VCF-style: chr15-48428439-A-T. GRCh37 (hg19) VCF-style: chr15-48720636-A-T.
Other names: short protein forms C2302S.
Identifiers: ClinVar variation 264235 (VCV000264235.6), dbSNP rs886039092, ClinGen allele CA10587797.